The following is an entry in ClinVar:

ClinVar aggregate classification (germline): Conflicting classifications of pathogenicity. Review status: criteria provided, conflicting classifications (1 of 4 stars). 2 submissions from 2 submitters: Pathogenic (1); Uncertain significance (1). Last evaluated 2025-12-08.

Conditions:
Cardiovascular phenotype. Identifiers: MedGen CN230736.
Dilated cardiomyopathy 1DD (CMD1DD). Identifiers: Orphanet 154, MedGen C2750995, MONDO:0013168, OMIM 613172.

Submissions (2):

Labcorp Genetics (formerly Invitae), Labcorp
Classification: Pathogenic for Dilated cardiomyopathy 1DD. Last evaluated: 2025-12-08. Review status: criteria provided, single submitter. Criteria: Invitae Variant Classification Sherloc (09022015). Collection method: clinical testing. Allele origin: germline.
Comment: This sequence change creates a premature translational stop signal (p.Gly867Alafs*43) in the RBM20 gene. It is expected to result in an absent or disrupted protein product. Loss-of-function variants in RBM20 are known to be pathogenic (PMID: 20590677, 22004663, 38288598, 38510713, 40339755). This variant is not present in population databases (gnomAD no frequency). This variant has not been reported in the literature in individuals affected with RBM20-related conditions. ClinVar contains an entry for this variant (Variation ID: 1793674). For these reasons, this variant has been classified as Pathogenic.

Ambry Genetics
Classification: Uncertain significance for Cardiovascular phenotype. Last evaluated: 2019-07-22. Review status: criteria provided, single submitter. Criteria: Ambry Variant Classification Scheme 2023. Collection method: clinical testing. Allele origin: germline.
Comment: The c.2600delG variant, located in coding exon 10 of the RBM20 gene, results from a deletion of one nucleotide at nucleotide position 2600, causing a translational frameshift with a predicted alternate stop codon (p.G867Afs*43). This alteration is expected to result in loss of function by premature protein truncation or nonsense-mediated mRNA decay. However, loss of function of RBM20 has not been clearly established as a mechanism of disease. Since supporting evidence is limited at this time, the clinical significance of this alteration remains unclear.

Literature cited by the submitters: PubMed 20590677 (cited by Labcorp Genetics (formerly Invitae), Labcorp); PubMed 22004663 (cited by Labcorp Genetics (formerly Invitae), Labcorp); PubMed 38288598 (cited by Labcorp Genetics (formerly Invitae), Labcorp); PubMed 38510713 (cited by Labcorp Genetics (formerly Invitae), Labcorp); PubMed 40339755 (cited by Labcorp Genetics (formerly Invitae), Labcorp).

NM_001134363.3(RBM20):c.2600del (p.Gly867fs)

Gene: RBM20 (RNA binding motif protein 20; plus strand). Cytogenetic location: 10q25.2.
Variant type: Deletion.
Coding change: c.2600del on transcript NM_001134363.3 (MANE Select); coding-DNA position 2600, one base deleted (G; older notation c.2600delG).
Protein change: p.Gly867fs; shifts the reading frame from glycine 867.
Molecular consequence: frameshift variant.
Genome position (GRCh38, 1-based): chr10:110,820,121, G deleted; the last of 3 consecutive G bases (chr10:110,820,119-110,820,121); deleting any one gives the same sequence. VCF-style (leftmost placement, unchanged base first): chr10-110820118-TG-T. GRCh37 (hg19) VCF-style: chr10-112579876-TG-T.
Other names: short protein forms G867fs.
Identifiers: ClinVar variation 1793674 (VCV001793674.5), dbSNP rs2493490046, ClinGen allele CA2580081251.